The following is an entry in ClinVar:

NM_152383.5(DIS3L2):c.2243_2248delinsACATGA (p.Arg748_Gln750delinsHisMetLys)

Gene: DIS3L2 (DIS3 like 3'-5' exoribonuclease 2; plus strand). Cytogenetic location: 2q37.1.
Variant type: Indel.
Coding change: c.2243_2248delinsACATGA on transcript NM_152383.5 (MANE Select); coding-DNA positions 2243 to 2248, GCGTGC replaced by ACATGA.
Protein change: p.Arg748_Gln750delinsHisMetLys.
Molecular consequence: missense variant. On other transcripts: non-coding transcript variant (2), intron variant (1).
Genome position (GRCh38, 1-based): chr2:232,334,453-232,334,458, GCGTGC replaced by ACATGA. VCF-style: chr2-232334453-GCGTGC-ACATGA. GRCh37 (hg19) VCF-style: chr2-233199163-GCGTGC-ACATGA.
Other names: c.1582-8892_1582-8887delinsACATGA (NM_001257281.2).
Identifiers: ClinVar variation 463098 (VCV000463098.2), dbSNP rs1553551794, ClinGen allele CA658657253.

ClinVar aggregate classification (germline): Uncertain significance (1 of 4 stars; one submission).

Conditions:
Perlman syndrome (PRLMNS). Identifiers: Orphanet 2849, MedGen C0796113, MONDO:0009965, OMIM 267000.

Submission:

Labcorp Genetics (formerly Invitae), Labcorp
Classification: Uncertain significance for Perlman syndrome. Last evaluated: 2023-07-19. Review status: criteria provided, single submitter. Criteria: Invitae Variant Classification Sherloc (09022015). Collection method: clinical testing. Allele origin: germline.
Comment: Information on the frequency of this variant in the gnomAD database is not available, as this variant may be reported differently in the database. This variant, c.2243_2248delinsACATGA, is a complex sequence change that results in the replacement of 3 amino acid(s) in the DIS3L2 protein (p.Arg748_Gln750delinsHisMetLys). This variant has not been reported in the literature in individuals affected with DIS3L2-related conditions. In summary, the available evidence is currently insufficient to determine the role of this variant in disease. Therefore, it has been classified as a Variant of Uncertain Significance. Advanced modeling of protein sequence and biophysical properties (such as structural, functional, and spatial information, amino acid conservation, physicochemical variation, residue mobility, and thermodynamic stability) performed at Invitae indicates that this missense variant is not expected to disrupt DIS3L2 protein function.